The following is an entry in ClinVar:

NM_000263.4(NAGLU):c.59G>T (p.Gly20Val)

Genes: NAGLU (N-acetyl-alpha-glucosaminidase; plus strand), LOC130060903 (ATAC-STARR-seq lymphoblastoid silent region 8533; plus strand). Cytogenetic location: 17q21.2.
Variant type: single nucleotide variant.
Coding change: c.59G>T on transcript NM_000263.4 (MANE Select); coding-DNA position 59, G replaced by T.
Protein change: p.Gly20Val; replaces glycine 20 with valine.
Molecular consequence: missense variant.
Genome position (GRCh38, 1-based): chr17:42,536,331, G>T. VCF-style: chr17-42536331-G-T. GRCh37 (hg19) VCF-style: chr17-40688349-G-T.
Other names: short protein forms G20V.
Identifiers: ClinVar variation 968712 (VCV000968712.7), dbSNP rs1344891508, ClinGen allele CA399595124.
Genomic context (GRCh38, chr17:42,536,331, plus strand): 5'-CCATGGAGGCGGTGGCGGTGGCCGCGGCGGTGGGGGTCCTTCTCCTGGCCGGGGCCGGGG[G>T]CGCGGCAGGCGACGAGGCCCGGGAGGCGGCGGCCGTGCGGGCGCTCGTGGCCCGGCTGCT-3'
Protein context (NP_000254.2, residues 10-30): VGVLLLAGAG[Gly20Val]AAGDEAREAA

ClinVar aggregate classification (germline): Uncertain significance. Review status: criteria provided, multiple submitters, no conflicts (2 of 4 stars). 3 submissions from 3 submitters: Uncertain significance (2). 1 of the submissions does not count toward it. Last evaluated 2025-08-08.

Conditions:
Inborn genetic diseases. Identifiers: MedGen C0950123, MeSH D030342.
Mucopolysaccharidosis, MPS-III-B (MPS3B). Also called: MPS IIIB (Sanfilippo Syndrome Type B); MUCOPOLYSACCHARIDOSIS, TYPE IIIB; Mucopolysaccharidosis type IIIB (Sanfilippo B); N-ACETYL-ALPHA-D-GLUCOSAMINIDASE DEFICIENCY; NAGLU DEFICIENCY; SANFILIPPO SYNDROME B. Identifiers: Orphanet 79270, MedGen C0086648, MONDO:0009656, OMIM 252920.
Charcot-Marie-Tooth disease axonal type 2V. Also called: CHARCOT-MARIE-TOOTH NEUROPATHY, TYPE 2V; CHARCOT-MARIE-TOOTH DISEASE, AXONAL, AUTOSOMAL DOMINANT, TYPE 2V. Identifiers: Orphanet 447964, MedGen C5569050, MONDO:0014665, OMIM 616491.

Allele frequency attached by ClinVar (database versions not stated): TOPMed 0.00002; gnomAD 0.00001.

Submissions (3):

Ambry Genetics
Classification: Uncertain significance for Inborn genetic diseases. Last evaluated: 2025-08-08. Review status: criteria provided, single submitter. Criteria: Ambry Variant Classification Scheme 2023. Collection method: clinical testing. Allele origin: germline.

Labcorp Genetics (formerly Invitae), Labcorp
Classification: Uncertain significance for Charcot-Marie-Tooth disease axonal type 2V; Mucopolysaccharidosis, MPS-III-B. Last evaluated: 2024-06-24. Review status: criteria provided, single submitter. Criteria: Invitae Variant Classification Sherloc (09022015). Collection method: clinical testing. Allele origin: germline.
Comment: This sequence change replaces glycine, which is neutral and non-polar, with valine, which is neutral and non-polar, at codon 20 of the NAGLU protein (p.Gly20Val). This variant is not present in population databases (gnomAD no frequency). This variant has not been reported in the literature in individuals affected with NAGLU-related conditions. ClinVar contains an entry for this variant (Variation ID: 968712). Advanced modeling of protein sequence and biophysical properties (such as structural, functional, and spatial information, amino acid conservation, physicochemical variation, residue mobility, and thermodynamic stability) performed at Invitae indicates that this missense variant is not expected to disrupt NAGLU protein function with a negative predictive value of 95%. In summary, the available evidence is currently insufficient to determine the role of this variant in disease. Therefore, it has been classified as a Variant of Uncertain Significance.

Natera, Inc.
Classification: Uncertain significance for Mucopolysaccharidosis type IIIB. Last evaluated: 2020-08-19. Review status: no assertion criteria provided. Collection method: clinical testing. Allele origin: germline. Not counted in ClinVar's aggregate classification.